The following is an entry in ClinVar:

ClinVar aggregate classification (germline): Uncertain significance (1 of 4 stars; one submission).

Allele frequency attached by ClinVar (database versions not stated): TOPMed below 0.00001; gnomAD 0.00001.
gnomAD v4.1: 6 of 1,612,710 alleles (0.00037%); highest among the groups gnomAD compares: Admixed American, 0.0017%; no homozygotes.

Submission:

Labcorp Genetics (formerly Invitae), Labcorp
Classification: Uncertain significance. Last evaluated: 2023-12-22. Review status: criteria provided, single submitter. Criteria: Invitae Variant Classification Sherloc (09022015). Collection method: clinical testing. Allele origin: germline.
Comment: This sequence change replaces glycine, which is neutral and non-polar, with glutamic acid, which is acidic and polar, at codon 906 of the LONP1 protein (p.Gly906Glu). This variant is present in population databases (no rsID available, gnomAD 0.003%). This variant has not been reported in the literature in individuals affected with LONP1-related conditions. Advanced modeling of protein sequence and biophysical properties (such as structural, functional, and spatial information, amino acid conservation, physicochemical variation, residue mobility, and thermodynamic stability) performed at Invitae indicates that this missense variant is not expected to disrupt LONP1 protein function with a negative predictive value of 80%. In summary, the available evidence is currently insufficient to determine the role of this variant in disease. Therefore, it has been classified as a Variant of Uncertain Significance.

NM_004793.4(LONP1):c.2717G>A (p.Gly906Glu)

Gene: LONP1 (lon peptidase 1, mitochondrial; minus strand). Cytogenetic location: 19p13.3.
Variant type: single nucleotide variant.
Coding change: c.2717G>A on transcript NM_004793.4 (MANE Select); coding-DNA position 2717, G replaced by A.
Protein change: p.Gly906Glu; replaces glycine 906 with glutamic acid.
Molecular consequence: missense variant. On other transcripts: non-coding transcript variant (1).
Genome position (GRCh38, 1-based): chr19:5,692,195, C>T on the plus strand (G>A on the coding strand, the complement: LONP1 is on the minus strand). VCF-style: chr19-5692195-C-T. GRCh37 (hg19) VCF-style: chr19-5692206-C-T.
Other names: c.2525G>A, p.Gly842Glu (NM_001276479.2); c.2129G>A, p.Gly710Glu (NM_001276480.1); short protein forms G710E, G842E, G906E.
Identifiers: ClinVar variation 2834901 (VCV002834901.3), dbSNP rs769285838, ClinGen allele CA403525334.